The following is an entry in ClinVar:

NM_001283009.2(RTEL1):c.2467G>A (p.Glu823Lys)

Genes: RTEL1 (regulator of telomere elongation helicase 1; plus strand), RTEL1-TNFRSF6B (RTEL1-TNFRSF6B readthrough (NMD candidate); plus strand). Cytogenetic location: 20q13.33.
Variant type: single nucleotide variant.
Coding change: c.2467G>A on transcript NM_001283009.2 (MANE Select); coding-DNA position 2467, G replaced by A.
Protein change: p.Glu823Lys; replaces glutamic acid 823 with lysine.
Molecular consequence: missense variant. On other transcripts: non-coding transcript variant (1).
Genome position (GRCh38, 1-based): chr20:63,690,858, G>A. VCF-style: chr20-63690858-G-A. GRCh37 (hg19) VCF-style: chr20-62322211-G-A.
Other names: c.1798G>A, p.Glu600Lys (NM_001283010.1); c.2467G>A, p.Glu823Lys (NM_016434.4); c.2539G>A, p.Glu847Lys (NM_032957.5); short protein forms E600K, E823K, E847K.
Identifiers: ClinVar variation 3032251 (VCV003032251.2), dbSNP rs2090722658, ClinGen allele CA409681556.
Genomic context (GRCh38, chr20:63,690,858, plus strand): 5'-CCTGCAGGGTCACCAGCTGCCGGGGACCCCGAGAGTAGCCTGTGTGTGGAGTATGAGCAG[G>A]AGCCAGTTCCTGCCCGGCAGAGGCCCAGGGGGCTGCTGGCCGCCCTGGAGCACAGCGAAC-3'
Protein context (NP_001269938.1, residues 813-833): ESSLCVEYEQ[Glu823Lys]PVPARQRPRG

ClinVar aggregate classification (germline): Uncertain significance (0 of 4 stars; one submission).

Conditions:
RTEL1-related disorder. Also called: RTEL1-related condition; RTEL1-related disorders.

Submission:

PreventionGenetics, part of Exact Sciences
Classification: Uncertain significance for RTEL1-related condition. Last evaluated: 2023-12-20. Review status: no assertion criteria provided. Collection method: clinical testing. Allele origin: germline.
Comment: The RTEL1 c.2539G>A variant is predicted to result in the amino acid substitution p.Glu847Lys. To our knowledge, this variant has not been reported in the literature or in a large population database, indicating this variant is rare. At this time, the clinical significance of this variant is uncertain due to the absence of conclusive functional and genetic evidence.